The following is an entry in ClinVar:

NM_002485.5(NBN):c.131A>G (p.Asn44Ser)

Gene: NBN (nibrin; minus strand). Cytogenetic location: 8q21.3.
Variant type: single nucleotide variant.
Coding change: c.131A>G on transcript NM_002485.5 (MANE Select); coding-DNA position 131, A replaced by G.
Protein change: p.Asn44Ser; replaces asparagine 44 with serine.
Molecular consequence: missense variant. On other transcripts: 5 prime UTR variant (1).
Genome position (GRCh38, 1-based): chr8:89,982,762, T>C on the plus strand (A>G on the coding strand, the complement: NBN is on the minus strand). VCF-style: chr8-89982762-T-C. GRCh37 (hg19) VCF-style: chr8-90994990-T-C.
Other names: c.-166A>G (NM_001024688.3); short protein forms N44S.
Identifiers: ClinVar variation 2586809 (VCV002586809.2), dbSNP rs2488368719, ClinGen allele CA371663039.

ClinVar aggregate classification (germline): Uncertain significance (1 of 4 stars; one submission).

Conditions:
Hereditary cancer-predisposing syndrome. Also called: Hereditary neoplastic syndrome; Tumor predisposition; Hereditary Cancer Syndrome; Neoplastic Syndromes, Hereditary. Identifiers: Orphanet 140162, MedGen C0027672, MeSH D009386, MONDO:0015356.

Submission:

Ambry Genetics
Classification: Uncertain significance for Hereditary cancer-predisposing syndrome. Last evaluated: 2023-07-09. Review status: criteria provided, single submitter. Criteria: Ambry Variant Classification Scheme 2023. Collection method: clinical testing. Allele origin: germline.
Comment: The p.N44S variant (also known as c.131A>G), located in coding exon 2 of the NBN gene, results from an A to G substitution at nucleotide position 131. The asparagine at codon 44 is replaced by serine, an amino acid with highly similar properties. This amino acid position is conserved. In addition, this alteration is predicted to be tolerated by in silico analysis. Since supporting evidence is limited at this time, the clinical significance of this alteration remains unclear.